The following is an entry in ClinVar:

NM_032578.4(MYPN):c.1483+6G>A

Gene: MYPN (myopalladin; plus strand). Cytogenetic location: 10q21.3.
Variant type: single nucleotide variant.
Coding change: c.1483+6G>A on transcript NM_032578.4 (MANE Select); 6 bases into the intron after coding-DNA position 1483, G replaced by A.
Molecular consequence: intron variant.
Genome position (GRCh38, 1-based): chr10:68,161,758, G>A. VCF-style: chr10-68161758-G-A. GRCh37 (hg19) VCF-style: chr10-69921515-G-A.
Other names: c.1483+6G>A (NM_001256267.2); c.601+6G>A (NM_001256268.2).
Identifiers: ClinVar variation 940783 (VCV000940783.9), dbSNP rs775382618, ClinGen allele CA376836106.

ClinVar aggregate classification (germline): Uncertain significance (1 of 4 stars; one submission).

Conditions:
Dilated cardiomyopathy 1KK (CMD1KK). Identifiers: Orphanet 154, Orphanet 75249, MedGen C3714995, MONDO:0014100, OMIM 615248.

gnomAD v4.1: 6 of 1,607,078 alleles (0.00037%); highest among the groups gnomAD compares: Non-Finnish European, 0.00051%; no homozygotes.

Submission:

Labcorp Genetics (formerly Invitae), Labcorp
Classification: Uncertain significance for Dilated cardiomyopathy 1KK. Last evaluated: 2024-02-17. Review status: criteria provided, single submitter. Criteria: Invitae Variant Classification Sherloc (09022015). Collection method: clinical testing. Allele origin: germline.
Comment: This sequence change falls in intron 8 of the MYPN gene. It does not directly change the encoded amino acid sequence of the MYPN protein. It affects a nucleotide within the consensus splice site. This variant is present in population databases (no rsID available, gnomAD 0.0009%). This variant has not been reported in the literature in individuals affected with MYPN-related conditions. ClinVar contains an entry for this variant (Variation ID: 940783). Variants that disrupt the consensus splice site are a relatively common cause of aberrant splicing (PMID: 17576681, 9536098). Algorithms developed to predict the effect of sequence changes on RNA splicing suggest that this variant is not likely to affect RNA splicing. In summary, the available evidence is currently insufficient to determine the role of this variant in disease. Therefore, it has been classified as a Variant of Uncertain Significance.

Literature cited by the submitters: PubMed 17576681; PubMed 9536098.